The following is an entry in ClinVar:

ClinVar aggregate classification (germline): Likely benign. Review status: criteria provided, multiple submitters, no conflicts (2 of 4 stars). 4 submissions from 4 submitters: Likely benign (4). Last evaluated 2026-06-23.

Allele frequency attached by ClinVar (database versions not stated): gnomAD 0.00017 and 0.00014; 1000 Genomes Project 0.00020; gnomAD exomes 0.00022 and 0.00024; ExAC 0.00028; ESP Exome Variant Server 0.00033; TOPMed 0.00011; 1000 Genomes Project 30x 0.00016.
gnomAD v4.1: 377 of 1,609,864 alleles (0.023%); highest among the groups gnomAD compares: East Asian, 0.45%; 1 homozygote.

Submissions (4):

Women's Health and Genetics/Laboratory Corporation of America, LabCorp
Classification: Likely benign. Last evaluated: 2026-06-23. Review status: criteria provided, single submitter. Criteria: LabCorp Variant Classification Summary - May 2015. Collection method: clinical testing. Allele origin: germline.
Comment: Variant summary: CNNM2 c.413C>T (p.Pro138Leu) results in a non-conservative amino acid change in the encoded protein sequence. Algorithms developed to predict the effect of missense changes on protein structure and function are either unavailable or do not agree on the potential impact of this missense change. The variant allele was found at a frequency of 0.00023 in 1609864 control chromosomes, predominantly at a frequency of 0.0045 within the East Asian subpopulation in the gnomAD database. The observed variant frequency within East Asian control individuals in the gnomAD database exceeds the estimated maximal expected allele frequency for disease-causing variants in CNNM2. To our knowledge, no occurrence of c.413C>T in individuals affected with CNNM2-related conditions and no experimental evidence demonstrating its impact on protein function have been reported. ClinVar contains an entry for this variant (Variation ID: 729415). Based on the evidence outlined above, the variant was classified as likely benign.

Revvity Omics, Revvity
Classification: Likely benign. Last evaluated: 2026-06-07. Review status: criteria provided, single submitter. Criteria: ACMG Guidelines, 2015. Collection method: clinical testing. Allele origin: germline.

Labcorp Genetics (formerly Invitae), Labcorp
Classification: Likely benign. Last evaluated: 2025-12-10. Review status: criteria provided, single submitter. Criteria: Invitae Variant Classification Sherloc (09022015). Collection method: clinical testing. Allele origin: germline.

Breakthrough Genomics
Classification: Likely benign. Review status: criteria provided, single submitter. Criteria: ACMG Guidelines, 2015. Collection method: not provided. Allele origin: germline. Inheritance: Autosomal dominant inheritance. Affected: yes.

NM_017649.5(CNNM2):c.413C>T (p.Pro138Leu)

Genes: CNNM2 (cyclin and CBS domain divalent metal cation transport mediator 2; plus strand), LOC130004628 (ATAC-STARR-seq lymphoblastoid silent region 2775; plus strand). Cytogenetic location: 10q24.32.
Variant type: single nucleotide variant.
Coding change: c.413C>T on transcript NM_017649.5 (MANE Select); coding-DNA position 413, C replaced by T.
Protein change: p.Pro138Leu; replaces proline 138 with leucine.
Molecular consequence: missense variant.
Genome position (GRCh38, 1-based): chr10:102,918,893, C>T. VCF-style: chr10-102918893-C-T. GRCh37 (hg19) VCF-style: chr10-104678650-C-T.
Other names: c.413C>T, p.Pro138Leu (NM_199076.3, NM_199077.3); short protein forms P138L.
Identifiers: ClinVar variation 729415 (VCV000729415.14), dbSNP rs199849767, ClinGen allele CA5670265.
Genomic context (GRCh38, chr10:102,918,893, plus strand): 5'-TCGCCTTCACCGAGCACGAGCGGCGGCGCCACAGCCCGGGGGAGCGCGGGCTGGGGGGCC[C>T]CGCGCCGCCAGAGCCGGACAGCGGCCCCCAGCGATGCGGCATCCGCACCTCAGACATCAT-3'
Protein context (NP_060119.3, residues 128-148): HSPGERGLGG[Pro138Leu]APPEPDSGPQ